The following is an entry in ClinVar:

NM_001430.5(EPAS1):c.308C>T (p.Thr103Ile)

Gene: EPAS1 (endothelial PAS domain protein 1; plus strand). Cytogenetic location: 2p21.
Variant type: single nucleotide variant.
Coding change: c.308C>T on transcript NM_001430.5 (MANE Select); coding-DNA position 308, C replaced by T.
Protein change: p.Thr103Ile; replaces threonine 103 with isoleucine.
Molecular consequence: missense variant.
Genome position (GRCh38, 1-based): chr2:46,356,241, C>T. VCF-style: chr2-46356241-C-T. GRCh37 (hg19) VCF-style: chr2-46583380-C-T.
Other names: short protein forms T103I.
Identifiers: ClinVar variation 1727436 (VCV001727436.2), dbSNP rs1300946094, ClinGen allele CA346697859.

ClinVar aggregate classification (germline): Uncertain significance (1 of 4 stars; one submission).

Conditions:
Inborn genetic diseases. Identifiers: MedGen C0950123, MeSH D030342.

gnomAD v4.1: 1 of 1,613,442 alleles (0.000062%); highest among the groups gnomAD compares: Admixed American, 0.0017%; no homozygotes.

Submission:

Ambry Genetics
Classification: Uncertain significance for Inborn genetic diseases. Last evaluated: 2022-01-16. Review status: criteria provided, single submitter. Criteria: Ambry Variant Classification Scheme 2023. Collection method: clinical testing. Allele origin: germline.
Comment: The p.T103I variant (also known as c.308C>T), located in coding exon 3 of the EPAS1 gene, results from a C to T substitution at nucleotide position 308. The threonine at codon 103 is replaced by isoleucine, an amino acid with similar properties. This amino acid position is conserved. In addition, the in silico prediction for this alteration is inconclusive. Since supporting evidence is limited at this time, the clinical significance of this alteration remains unclear.